The following is an entry in ClinVar:

ClinVar aggregate classification (germline): Benign. Review status: criteria provided, single submitter (1 of 4 stars). 2 submissions from 2 submitters: Benign (1). 1 of the submissions does not count toward it. Last evaluated 2025-09-10.

Conditions:
IGSF10-related disorder. Also called: IGSF10-related condition.

Allele frequency attached by ClinVar (database versions not stated): gnomAD 0.00581; ESP Exome Variant Server 0.00592; TOPMed 0.00647; 1000 Genomes Project 0.00699; 1000 Genomes Project 30x 0.00750.
gnomAD v4.1: 1,799 of 1,614,082 alleles (0.11%); highest among the groups gnomAD compares: African/African-American, 2.1%; 21 homozygotes.

Submissions (2):

Labcorp Genetics (formerly Invitae), Labcorp
Classification: Benign. Last evaluated: 2025-09-10. Review status: criteria provided, single submitter. Criteria: Invitae Variant Classification Sherloc (09022015). Collection method: clinical testing. Allele origin: germline.

PreventionGenetics, part of Exact Sciences
Classification: Benign for IGSF10-related condition. Last evaluated: 2019-11-16. Review status: no assertion criteria provided. Collection method: clinical testing. Allele origin: germline. Not counted in ClinVar's aggregate classification.
Comment: This variant is classified as benign based on ACMG/AMP sequence variant interpretation guidelines (Richards et al. 2015 PMID: 25741868, with internal and published modifications).

NM_178822.5(IGSF10):c.2165G>A (p.Arg722Gln)

Gene: IGSF10 (immunoglobulin superfamily member 10; minus strand). Cytogenetic location: 3q25.1.
Variant type: single nucleotide variant.
Coding change: c.2165G>A on transcript NM_178822.5 (MANE Select); coding-DNA position 2165, G replaced by A.
Protein change: p.Arg722Gln; replaces arginine 722 with glutamine.
Molecular consequence: missense variant.
Genome position (GRCh38, 1-based): chr3:151,447,816, C>T on the plus strand (G>A on the coding strand, the complement: IGSF10 is on the minus strand). VCF-style: chr3-151447816-C-T. GRCh37 (hg19) VCF-style: chr3-151165604-C-T.
Other names: c.2165G>A, p.Arg722Gln (NM_001385060.1, NM_001385061.1, NM_001385062.1 and 1 more transcripts); c.2165G>A (NM_178822.4); short protein forms R722Q.
Identifiers: ClinVar variation 2040718 (VCV002040718.6), dbSNP rs73010404, ClinGen allele CA2670400.